The following is an entry in ClinVar:

NM_004562.3(PRKN):c.52G>A (p.Asp18Asn)

Gene: PRKN (parkin RBR E3 ubiquitin protein ligase; minus strand). Cytogenetic location: 6q26.
Variant type: single nucleotide variant.
Coding change: c.52G>A on transcript NM_004562.3 (MANE Select); coding-DNA position 52, G replaced by A.
Protein change: p.Asp18Asn; replaces aspartic acid 18 with asparagine.
Molecular consequence: missense variant.
Genome position (GRCh38, 1-based): chr6:162,443,429, C>T on the plus strand (G>A on the coding strand, the complement: PRKN is on the minus strand). VCF-style: chr6-162443429-C-T. GRCh37 (hg19) VCF-style: chr6-162864461-C-T.
Other names: c.52G>A, p.Asp18Asn (NM_013987.3, NM_013988.3); short protein forms D18N.
Identifiers: ClinVar variation 1100967 (VCV001100967.11), dbSNP rs146288080, ClinGen allele CA4090524.

ClinVar aggregate classification (germline): Conflicting classifications of pathogenicity. Review status: criteria provided, conflicting classifications (1 of 4 stars). 2 submissions from 2 submitters: Uncertain significance (1); Likely benign (1). Last evaluated 2025-02-12.

Allele frequency attached by ClinVar (database versions not stated): gnomAD 0.00068 and 0.00074; ESP Exome Variant Server 0.00069; ExAC 0.00017; gnomAD exomes 0.00004 and 0.00012; 1000 Genomes Project 30x 0.00094; 1000 Genomes Project 0.00100.
gnomAD v4.1: 171 of 1,614,070 alleles (0.011%); highest among the groups gnomAD compares: African/African-American, 0.17%; 1 homozygote.

Submissions (3):

Labcorp Genetics (formerly Invitae), Labcorp
Classification: Likely benign. Last evaluated: 2025-02-12. Review status: criteria provided, single submitter. Criteria: Invitae Variant Classification Sherloc (09022015). Collection method: clinical testing. Allele origin: germline.

Women's Health and Genetics/Laboratory Corporation of America, LabCorp
Classification: Uncertain significance. Last evaluated: 2022-12-01. Review status: criteria provided, single submitter. Criteria: LabCorp Variant Classification Summary - May 2015. Collection method: clinical testing. Allele origin: germline.
Comment: Variant summary: PARK2 c.52G>A (p.Asp18Asn) results in a conservative amino acid change located in the Ubiquitin-like domain (IPR000626) of the encoded protein sequence. Five of five in-silico tools predict a benign effect of the variant on protein function. The variant allele was found at a frequency of 0.00012 in 251330 control chromosomes in the gnomAD database, including 1 homozygote. c.52G>A has been reported in the literature in the heterozygous state in an individual affected with Early Onset Parkinson Disease (Wang_2008). This report does not provide unequivocal conclusions about association of the variant with Autosomal Recessive Juvenile Parkinson Disease 2. An in vitro analysis using NME spectroscopy suggests this variant does not disrupt protein folding (Safadi_2011), and a cell-based assay found no effect on mitophagy or protein expression (Yi_2019). One clinical diagnostic laboratory has submitted clinical-significance assessments for this variant to ClinVar after 2014 without evidence for independent evaluation, classifying the variant as likely benign. Based on the evidence outlined above, the variant was classified as uncertain significance.

Dr. Peter K. Rogan Lab, Western University
No classification provided (evidence only). Condition: Uterine carcinosarcoma. Review status: no classification provided. Collection method: in vitro. Allele origin: not applicable. Functional consequence: retained intron. Not counted in ClinVar's aggregate classification.

Literature cited by the submitters: PubMed 21348451 (cited by Women's Health and Genetics/Laboratory Corporation of America, LabCorp); PubMed 18413468 (cited by Women's Health and Genetics/Laboratory Corporation of America, LabCorp); PubMed 30994895 (cited by Women's Health and Genetics/Laboratory Corporation of America, LabCorp).